The following is an entry in ClinVar:

ClinVar aggregate classification (germline): Uncertain significance (1 of 4 stars; one submission).

Conditions:
Ehlers-Danlos syndrome, type 4 (EDSVASC). Also called: Ehlers-Danlos Syndrome Type IV; Ehlers-Danlos syndrome vascular type; Ehlers Danlos syndrome, ecchymotic type; Ehlers Danlos syndrome, arterial type; Ehlers Danlos syndrome, Sack-Barabas type. Identifiers: Orphanet 286, MedGen C0268338, MONDO:0017314, OMIM 130050.

Submission:

All of Us Research Program, National Institutes of Health
Classification: Uncertain significance for Ehlers-Danlos syndrome, type 4. Last evaluated: 2023-12-11. Review status: criteria provided, single submitter. Criteria: ACMG Guidelines, 2015. Collection method: clinical testing. Allele origin: germline. Inheritance: Autosomal dominant inheritance. Observed: 1 variant allele, 1 heterozygote.
Comment: This study involves interpretation of variants in research participants for the purpose of population health screening. Participant phenotype was not available at the time of variant classification. Additional details can be found in publication PMID: 35346344, PMCID: PMC8962531

NM_000090.4(COL3A1):c.2703G>C (p.Lys901Asn)

Gene: COL3A1 (collagen type III alpha 1 chain; plus strand). Cytogenetic location: 2q32.2.
Variant type: single nucleotide variant.
Coding change: c.2703G>C on transcript NM_000090.4 (MANE Select); coding-DNA position 2703, G replaced by C.
Protein change: p.Lys901Asn; replaces lysine 901 with asparagine.
Molecular consequence: missense variant.
Genome position (GRCh38, 1-based): chr2:189,004,023, G>C. VCF-style: chr2-189004023-G-C. GRCh37 (hg19) VCF-style: chr2-189868749-G-C.
Other names: short protein forms K901N.
Identifiers: ClinVar variation 3074417 (VCV003074417.1), dbSNP rs2469153461, ClinGen allele CA349843837.
Genomic context (GRCh38, chr2:189,004,023, plus strand): 5'-TTCAAACAATTATTTGTAGGGTAACCCAGGACCCCCAGGTCCCAGCGGTTCTCCAGGCAA[G>C]GATGGGCCCCCAGGTCCTGCGGGTAACACTGGTGCTCCTGGCAGCCCTGGAGTGTCTGGA-3'
Protein context (NP_000081.2, residues 891-911): GPPGPSGSPG[Lys901Asn]DGPPGPAGNT